The following is an entry in ClinVar:

NM_032043.3(BRIP1):c.689C>T (p.Ser230Leu)

Gene: BRIP1 (BRCA1 interacting DNA helicase 1; minus strand). Cytogenetic location: 17q23.2.
Variant type: single nucleotide variant.
Coding change: c.689C>T on transcript NM_032043.3 (MANE Select); coding-DNA position 689, C replaced by T.
Protein change: p.Ser230Leu; replaces serine 230 with leucine.
Molecular consequence: missense variant.
Genome position (GRCh38, 1-based): chr17:61,808,696, G>A on the plus strand (C>T on the coding strand, the complement: BRIP1 is on the minus strand). VCF-style: chr17-61808696-G-A. GRCh37 (hg19) VCF-style: chr17-59886057-G-A.
Other names: short protein forms S230L.
Identifiers: ClinVar variation 186643 (VCV000186643.50), dbSNP rs759031349, ClinGen allele CA195418.

ClinVar aggregate classification (germline): Conflicting classifications of pathogenicity. Review status: criteria provided, conflicting classifications (1 of 4 stars). 18 submissions from 17 submitters: Uncertain significance (8); Likely benign (7). 3 of the submissions do not count toward it. Last evaluated 2026-01-24.

Conditions:
Hereditary cancer-predisposing syndrome. Also called: Tumor predisposition; Neoplastic Syndromes, Hereditary; Hereditary neoplastic syndrome; Hereditary Cancer Syndrome. Identifiers: Orphanet 140162, MedGen C0027672, MeSH D009386, MONDO:0015356.
Ovarian cancer. Also called: OVARIAN CANCER, SOMATIC. Identifiers: Orphanet 213500, MedGen C1140680, MONDO:0008170, OMIM 167000.
Familial cancer of breast. Also called: hereditary breast carcinoma; BREAST CANCER, FAMILIAL; Hereditary breast cancer. Identifiers: Orphanet 227535, MedGen C0346153, MONDO:0016419, OMIM 114480. Disease mechanism: loss of function.
Fanconi anemia complementation group J. Also called: BRIP1-Related Fanconi Anemia. Identifiers: Orphanet 84, MedGen C1836860, MONDO:0012187, OMIM 609054.

Allele frequency attached by ClinVar (database versions not stated): gnomAD exomes 0.00003 and 0.00010; TOPMed 0.00004; ExAC 0.00006; gnomAD 0.00006.
gnomAD v4.1: 52 of 1,613,672 alleles (0.0032%); highest among the groups gnomAD compares: Admixed American, 0.075%; no homozygotes.

Submissions (18):

Labcorp Genetics (formerly Invitae), Labcorp
Classification: Likely benign for Familial cancer of breast; Fanconi anemia complementation group J. Last evaluated: 2026-01-24. Review status: criteria provided, single submitter. Criteria: Invitae Variant Classification Sherloc (09022015). Collection method: clinical testing. Allele origin: germline.

Women's Health and Genetics/Laboratory Corporation of America, LabCorp
Classification: Likely benign. Last evaluated: 2025-03-31. Review status: criteria provided, single submitter. Criteria: LabCorp Variant Classification Summary - May 2015. Collection method: clinical testing. Allele origin: germline.
Comment: Variant summary: BRIP1 c.689C>T (p.Ser230Leu) results in a non-conservative amino acid change located in the Helicase-like, DEXD box c2 type domain (IPR006554) of the encoded protein sequence. Four of five in-silico tools predict a benign effect of the variant on protein function. The variant allele was found at a frequency of 9.6e-05 in 251036 control chromosomes, predominantly at a frequency of 0.00067 within the Latino subpopulation in the gnomAD database. The observed variant frequency within Latino control individuals in the gnomAD database is approximately 11 fold of the estimated maximal expected allele frequency for a pathogenic variant in BRIP1 causing Breast Cancer phenotype (6.3e-05), strongly suggesting that the variant is a benign polymorphism found primarily in populations of Latino origin. c.689C>T has been reported in the literature as a VUS in individuals undergoing multigene cancer panel testing (e.g. Ramus_2015, Ring_2016, Weitzel_2019). These report(s) do not provide unequivocal conclusions about association of the variant with Breast and/or BRIP1-related Cancer. To our knowledge, no experimental evidence demonstrating an impact on protein function has been reported. The following publications have been ascertained in the context of this evaluation (PMID: 33471991, 26315354, 27443514, 30374176, 31206626). ClinVar contains an entry for this variant (Variation ID: 186643). Based on the evidence outlined above, the variant was classified as likely benign.

Quest Diagnostics Nichols Institute San Juan Capistrano
Classification: Uncertain significance. Last evaluated: 2025-03-20. Review status: criteria provided, single submitter. Criteria: Quest Diagnostics criteria. Collection method: clinical testing. Allele origin: unknown.
Comment: The BRIP1 c.689C>T (p.Ser230Leu) variant has been reported in the published literature in individuals with breast and/or ovarian cancers (PMIDs: 26315354 (2015), 30262796 (2018), 31206626 (2019), 33471991 (2021), see also LOVD), endometrial cancer (PMID: 27443514 (2016)), and colorectal cancer (PMID: 33359728 (2022)). This variant has also been identified in reportedly healthy individuals (PMIDs: 36243179 (2023), 26921362 (2016), 31206626 (2019)). The frequency of this variant in the general population (Genome Aggregation Database) is higher than would generally be expected for pathogenic variants in this gene. Analysis of this variant using bioinformatics tools for the prediction of the effect of amino acid changes on protein structure and function yielded predictions that this variant is benign. Based on the available information, we are unable to determine the clinical significance of this variant.

Color Diagnostics, LLC DBA Color Health
Classification: Likely benign for Hereditary cancer-predisposing syndrome. Last evaluated: 2024-09-19. Review status: criteria provided, single submitter. Criteria: ACMG Guidelines, 2015. Collection method: clinical testing. Allele origin: germline.

Fulgent Genetics
Classification: Uncertain significance for Familial cancer of breast; Fanconi anemia complementation group J. Last evaluated: 2024-04-23. Review status: criteria provided, single submitter. Criteria: ACMG Guidelines, 2015. Collection method: clinical testing. Allele origin: germline.

GeneDx
Classification: Uncertain significance. Last evaluated: 2024-03-08. Review status: criteria provided, single submitter. Criteria: GeneDx Variant Classification Process June 2021. Collection method: clinical testing. Allele origin: germline. Affected: yes.
Comment: In silico analysis supports that this missense variant does not alter protein structure/function; Observed in individuals with a personal and/or family history of ovarian, breast, and other cancers (PMID: 26315354, 27443514, 30262796, 31206626, 33359728, 33471991); This variant is associated with the following publications: (PMID: 26315354, 26921362, 27443514, 30262796, 31658756, 30374176, 31206626, 33359728, 36243179, 33471991)

Myriad Genetics, Inc.
Classification: Uncertain significance for Familial cancer of breast. Last evaluated: 2023-02-28. Review status: criteria provided, single submitter. Criteria: Myriad Autosomal Dominant, Autosomal Recessive and X-Linked Classification Criteria (2023). Collection method: clinical testing. Allele origin: unknown.
Comment: This variant is classified as a variant of uncertain significance as there is insufficient evidence to determine its impact on protein function and/or cancer risk.

Department of Pathology and Laboratory Medicine, Sinai Health System
Classification: Likely benign for Familial cancer of breast. Last evaluated: 2023-01-23. Review status: criteria provided, single submitter. Criteria: ACMG Guidelines, 2015. Collection method: clinical testing. Allele origin: germline. Affected: yes.

Sema4
Classification: Likely benign for Hereditary cancer-predisposing syndrome. Last evaluated: 2021-11-01. Review status: criteria provided, single submitter. Criteria: Sema4 Curation Guidelines. Collection method: curation. Allele origin: germline.

Revvity Omics, Revvity
Classification: Uncertain significance for Fanconi anemia complementation group J. Last evaluated: 2020-01-29. Review status: criteria provided, single submitter. Criteria: ACMG Guidelines, 2015. Collection method: clinical testing. Allele origin: germline.

Baylor Genetics
Classification: Uncertain significance for Familial cancer of breast. Last evaluated: 2020-01-07. Review status: criteria provided, single submitter. Criteria: ACMG Guidelines, 2015. Collection method: clinical testing. Allele origin: maternal. Affected: yes. Study: CSER-TexasKidsCanSeq.
Comment: This variant was determined to be of uncertain significance according to ACMG Guidelines, 2015 [PMID:25741868].

Blueprint Genetics
Classification: Uncertain significance. Last evaluated: 2019-09-12. Review status: criteria provided, single submitter. Criteria: ACMG Guidelines, 2015. Collection method: clinical testing. Allele origin: germline.

Ambry Genetics
Classification: Likely benign for Hereditary cancer-predisposing syndrome. Last evaluated: 2018-09-20. Review status: criteria provided, single submitter. Criteria: Ambry Variant Classification Scheme 2023. Collection method: clinical testing. Allele origin: germline.

University of Washington Department of Laboratory Medicine, University of Washington
Classification: Likely benign for Hereditary Breast Carcinoma. Last evaluated: 2018-03-28. Review status: criteria provided, single submitter. Criteria: Tsai GJ et al. (Genet Med 2018). Collection method: research. Allele origin: germline. Inheritance: Autosomal dominant inheritance. Affected: yes.
Comment: The BRIP1 variant designated as NM_032043.2:c.689C>T (p.Ser230Leu) is classified as likely benign. Cosegregation analysis of one observed family was performed using an online resource (RaÃ±ola et al, 2018, PMID:28965303) and gives a likelihood ratio of 1.1 to 1 (Thompson et al, 2003, PMID:12900794), which gives very weak support for this allele being associated with cancer risk. The genomic position is not evolutionarily conserved. The variant is reported to be present in approximately 1 in 800 individuals with Latin American ancestry, which is considered too common in the population to cause high cancer risk. This variant has been classified as likely benign by other laboratories (ClinVar Variation ID: 186643). Bayesian analysis integrating all of this data (Tavtigian et al, 2018, PMID:29300386) gives less than 1% probability of pathogenicity, which is consistent with a classification of likely benign. This variant is not predicted to alter BRIP1 function or modify cancer risk. A modest (less than 2 fold) increase in cancer risk due to this variant cannot be entirely excluded. This reclassification analysis was performed in conjunction with the family studies project as part of the University of Washington Find My Variant Study.

PreventionGenetics, part of Exact Sciences
Classification: Uncertain significance. Last evaluated: 2016-12-30. Review status: criteria provided, single submitter. Criteria: ACMG Guidelines, 2015. Collection method: clinical testing. Allele origin: germline.

Institute for Biomarker Research, Medical Diagnostic Laboratories, L.L.C.
Classification: Benign for Hereditary cancer-predisposing syndrome. Last evaluated: 2021-09-15. Review status: no assertion criteria provided. Collection method: clinical testing. Allele origin: germline. Not counted in ClinVar's aggregate classification.

Counsyl
Classification: Uncertain significance for Fanconi anemia complementation group J. Last evaluated: 2016-09-19. Review status: no assertion criteria provided. Collection method: clinical testing. Allele origin: unknown. Not counted in ClinVar's aggregate classification.

Counsyl
Classification: Uncertain significance for Ovarian cancer. Last evaluated: 2016-09-19. Review status: no assertion criteria provided. Collection method: clinical testing. Allele origin: unknown. Not counted in ClinVar's aggregate classification.

Literature cited by the submitters: PubMed 26315354 (cited by 6 submitters); PubMed 27443514 (cited by 5 submitters); PubMed 30374176 (cited by Women's Health and Genetics/Laboratory Corporation of America, LabCorp and Quest Diagnostics Nichols Institute San Juan Capistrano); PubMed 31206626 (cited by 4 submitters); PubMed 33471991 (cited by 3 submitters); PubMed 26921362 (cited by 4 submitters); PubMed 30262796 (cited by Quest Diagnostics Nichols Institute San Juan Capistrano and Sema4); PubMed 36243179 (cited by Quest Diagnostics Nichols Institute San Juan Capistrano); PubMed 33359728 (cited by Quest Diagnostics Nichols Institute San Juan Capistrano and Sema4); PubMed 30263514 (cited by Department of Pathology and Laboratory Medicine, Sinai Health System).